The following is an entry in ClinVar:

ClinVar aggregate classification (germline): Likely pathogenic (1 of 4 stars; one submission).

Conditions:
Neurodevelopmental disorder with speech impairment and dysmorphic facies. Identifiers: MedGen C5436699, MONDO:0033630, OMIM 619056.

Submission:

3billion
Classification: Likely pathogenic for Neurodevelopmental disorder with speech impairment and dysmorphic facies. Review status: criteria provided, single submitter. Criteria: ACMG Guidelines, 2015. Collection method: clinical testing. Allele origin: unknown. Affected: yes. Observed: 1 heterozygote.
Comment: The variant is not observed in the gnomAD v2.1.1 dataset. The variant is predicted to result in a loss or disruption of normal protein function through nonsense-mediated decay (NMD) or protein truncation. Multiple pathogenic variants are reported downstream of the variant. Therefore, this variant is classified as Likely pathogenic according to the recommendation of ACMG/AMP guideline.

NM_014712.3(SETD1A):c.4530C>A (p.Tyr1510Ter)

Gene: SETD1A (SET domain containing 1A, histone lysine methyltransferase; plus strand). Cytogenetic location: 16p11.2.
Variant type: single nucleotide variant.
Coding change: c.4530C>A on transcript NM_014712.3 (MANE Select); coding-DNA position 4530, C replaced by A.
Protein change: p.Tyr1510Ter; replaces tyrosine 1510 with a stop codon.
Molecular consequence: nonsense.
Genome position (GRCh38, 1-based): chr16:30,980,606, C>A. VCF-style: chr16-30980606-C-A. GRCh37 (hg19) VCF-style: chr16-30991927-C-A.
Other names: short protein forms Y1510*.
Identifiers: ClinVar variation 2572416 (VCV002572416.1), dbSNP rs2543908638, ClinGen allele CA395633505.